The following is an entry in ClinVar:

ClinVar aggregate classification (germline): Uncertain significance (1 of 4 stars; one submission).

Allele frequency attached by ClinVar (database versions not stated): ExAC 0.00001; ESP Exome Variant Server 0.00008.

Submission:

Labcorp Genetics (formerly Invitae), Labcorp
Classification: Uncertain significance. Last evaluated: 2022-10-13. Review status: criteria provided, single submitter. Criteria: Invitae Variant Classification Sherloc (09022015). Collection method: clinical testing. Allele origin: germline.
Comment: This sequence change replaces aspartic acid, which is acidic and polar, with tyrosine, which is neutral and polar, at codon 423 of the IMPG1 protein (p.Asp423Tyr). In summary, the available evidence is currently insufficient to determine the role of this variant in disease. Therefore, it has been classified as a Variant of Uncertain Significance. Algorithms developed to predict the effect of missense changes on protein structure and function are either unavailable or do not agree on the potential impact of this missense change (SIFT: "Tolerated"; PolyPhen-2: "Possibly Damaging"; Align-GVGD: "Class C0"). ClinVar contains an entry for this variant (Variation ID: 1010538). This variant has not been reported in the literature in individuals affected with IMPG1-related conditions. This variant is not present in population databases (gnomAD no frequency).

NM_001563.4(IMPG1):c.1267G>T (p.Asp423Tyr)

Gene: IMPG1 (interphotoreceptor matrix proteoglycan 1; minus strand). Cytogenetic location: 6q14.1.
Variant type: single nucleotide variant.
Coding change: c.1267G>T on transcript NM_001563.4 (MANE Select); coding-DNA position 1267, G replaced by T.
Protein change: p.Asp423Tyr; replaces aspartic acid 423 with tyrosine.
Molecular consequence: missense variant.
Genome position (GRCh38, 1-based): chr6:76,002,942, C>A on the plus strand (G>T on the coding strand, the complement: IMPG1 is on the minus strand). VCF-style: chr6-76002942-C-A. GRCh37 (hg19) VCF-style: chr6-76712659-C-A.
Other names: c.1033G>T, p.Asp345Tyr (NM_001282368.2); short protein forms D345Y, D423Y.
Identifiers: ClinVar variation 1010538 (VCV001010538.8), dbSNP rs150541950, ClinGen allele CA3898170.